The following is an entry in ClinVar:

GRCh38/hg38 12q24.33(chr12:130648435-130806970)x3

Genes: RIMBP2 (RIMS binding protein 2; minus strand), STX2 (syntaxin 2; minus strand), LOC121838570 (Sharpr-MPRA regulatory region 967; plus strand), LOC124849284 (Sharpr-MPRA regulatory region 14372; plus strand), LOC130009203 (ATAC-STARR-seq lymphoblastoid active region 7345; plus strand) and 1 more. Cytogenetic location: 12q24.33.
Variant type: copy number gain.
Change: copy number 3 (three copies instead of two) of chr12:130,648,435-130,806,970 (158.5 kb, GRCh38 coordinates, 1-based), cytogenetic band 12q24.33.
Identifiers: ClinVar variation 57075 (VCV000057075.1).

ClinVar aggregate classification (germline): Uncertain significance (1 of 4 stars; one submission).

Submission:

ISCA site 4
Classification: Uncertain significance. Last evaluated: 2011-08-12. Review status: criteria provided, single submitter. Criteria: Kaminsky et al. (Genet Med. 2011). Collection method: clinical testing. Allele origin: unknown. Affected: yes. Observed: 1 variant allele.
Comment: Copy number variation identified through the course of routine clinical cytogenomic testing in postnatal populations. Clinical assertions have been curated as described in Kaminsky et al. 2011.